The following is an entry in ClinVar:

NM_015915.5(ATL1):c.1519A>G (p.Ile507Val)

Gene: ATL1 (atlastin GTPase 1; plus strand). Cytogenetic location: 14q22.1.
Variant type: single nucleotide variant.
Coding change: c.1519A>G on transcript NM_015915.5 (MANE Select); coding-DNA position 1519, A replaced by G.
Protein change: p.Ile507Val; replaces isoleucine 507 with valine.
Molecular consequence: missense variant.
Genome position (GRCh38, 1-based): chr14:50,628,430, A>G. VCF-style: chr14-50628430-A-G. GRCh37 (hg19) VCF-style: chr14-51095148-A-G.
Other names: c.1519A>G, p.Ile507Val (NM_001127713.1, NM_181598.4); c.1519A>G (NM_015915.4); short protein forms I507V.
Identifiers: ClinVar variation 1355200 (VCV001355200.11), dbSNP rs2140239435, ClinGen allele CA389676462.

ClinVar aggregate classification (germline): Uncertain significance. Review status: criteria provided, multiple submitters, no conflicts (2 of 4 stars). 3 submissions from 3 submitters: Uncertain significance (3). Last evaluated 2026-07-01.

Conditions:
Inborn genetic diseases. Identifiers: MedGen C0950123, MeSH D030342.
Hereditary spastic paraplegia 3A (SPG3A). Also called: Spastic paraplegia 3A, autosomal dominant; SPASTIC PARAPLEGIA 3, AUTOSOMAL DOMINANT; FAMILIAL SPASTIC PARAPLEGIA, AUTOSOMAL DOMINANT, 1; SPG3; STRUMPELL DISEASE; Spastic Paraplegia 3A. Identifiers: Orphanet 100984, MedGen C2931355, MONDO:0008437, OMIM 182600.

gnomAD v4.1: 1 of 1,614,116 alleles (0.000062%); no homozygotes.

Submissions (3):

Ambry Genetics
Classification: Uncertain significance for Inborn genetic diseases. Last evaluated: 2026-07-01. Review status: criteria provided, single submitter. Criteria: Ambry Variant Classification Scheme 2023. Collection method: clinical testing. Allele origin: germline.

GeneDx
Classification: Uncertain significance. Last evaluated: 2024-07-09. Review status: criteria provided, single submitter. Criteria: GeneDx Variant Classification Process June 2021. Collection method: clinical testing. Allele origin: germline. Affected: yes.
Comment: Not observed at significant frequency in large population cohorts (gnomAD); In silico analysis indicates that this missense variant does not alter protein structure/function; Has not been previously published as pathogenic or benign to our knowledge; This variant is associated with the following publications: (PMID: 23334294)

Labcorp Genetics (formerly Invitae), Labcorp
Classification: Uncertain significance for Hereditary spastic paraplegia 3A. Last evaluated: 2021-05-19. Review status: criteria provided, single submitter. Criteria: Invitae Variant Classification Sherloc (09022015). Collection method: clinical testing. Allele origin: germline.
Comment: In summary, the available evidence is currently insufficient to determine the role of this variant in disease. Therefore, it has been classified as a Variant of Uncertain Significance. Algorithms developed to predict the effect of missense changes on protein structure and function (SIFT, PolyPhen-2, Align-GVGD) all suggest that this variant is likely to be tolerated, but these predictions have not been confirmed by published functional studies and their clinical significance is uncertain. This variant has not been reported in the literature in individuals with ATL1-related conditions. This variant is not present in population databases (ExAC no frequency). This sequence change replaces isoleucine with valine at codon 507 of the ATL1 protein (p.Ile507Val). The isoleucine residue is highly conserved and there is a small physicochemical difference between isoleucine and valine.